The following is an entry in ClinVar:

NM_001375808.2(LPIN2):c.1975_1979del (p.Val658_Val659insTer)

Gene: LPIN2 (lipin 2; minus strand). Cytogenetic location: 18p11.31.
Variant type: Deletion.
Coding change: c.1975_1979del on transcript NM_001375808.2 (MANE Select); coding-DNA positions 1975 to 1979, 5 bases deleted (GTGTT; older notation c.1975_1979delGTGTT).
Protein change: p.Val658_Val659insTer.
Molecular consequence: nonsense.
Genome position (GRCh38, 1-based): chr18:2,924,506-2,924,510, AACAC deleted on the plus strand (GTGTT on the coding strand, the reverse complement: LPIN2 is on the minus strand); deleting any 5 consecutive bases within chr18:2,924,506-2,924,514 gives the same sequence; the c. name uses the placement nearest the transcript's 3' end. VCF-style (leftmost placement, unchanged base first): chr18-2924505-AAACAC-A. GRCh37 (hg19) VCF-style: chr18-2924503-AAACAC-A.
Other names: c.1975_1979del, p.Val658_Val659insTer (NM_001375809.1, NM_014646.2).
Identifiers: ClinVar variation 4699857 (VCV004699857.1).

ClinVar aggregate classification (germline): Pathogenic (1 of 4 stars; one submission).

Conditions:
Majeed syndrome (MJDS). Also called: LPIN2-Related Majeed Syndrome; CHRONIC RECURRENT MULTIFOCAL OSTEOMYELITIS 1, WITH CONGENITAL DYSERYTHROPOIETIC ANEMIA, WITH OR WITHOUT NEUTROPHILIC DERMATOSIS. Identifiers: Orphanet 77297, MedGen C1864997, MONDO:0012316, OMIM 609628.

Submission:

Labcorp Genetics (formerly Invitae), Labcorp
Classification: Pathogenic for Majeed syndrome. Last evaluated: 2025-05-04. Review status: criteria provided, single submitter. Criteria: Invitae Variant Classification Sherloc (09022015). Collection method: clinical testing. Allele origin: germline.
Comment: This sequence change creates a premature translational stop signal (p.Val659*) in the LPIN2 gene. It is expected to result in an absent or disrupted protein product. Loss-of-function variants in LPIN2 are known to be pathogenic (PMID: 15994876, 23087183). This variant is present in population databases (no rsID available, gnomAD 0.006%). This variant has not been reported in the literature in individuals affected with LPIN2-related conditions. For these reasons, this variant has been classified as Pathogenic.

Literature cited by the submitters: PubMed 15994876; PubMed 23087183.